The following is an entry in ClinVar:

ClinVar aggregate classification (germline): Uncertain significance (1 of 4 stars; one submission).

Conditions:
TNF receptor-associated periodic fever syndrome (TRAPS) (FPF). Also called: FAMILIAL HIBERNIAN FEVER; TNF RECEPTOR-ASSOCIATED PERIODIC SYNDROME; TUMOR NECROSIS FACTOR RECEPTOR-ASSOCIATED PERIODIC SYNDROME; TNF receptor 1-associated periodic fever syndrome; TNF Receptor-Associated Periodic Fever Syndrome; Autosomal Dominant Familial Periodic Fever. Identifiers: Orphanet 32960, MedGen C1275126, MONDO:0007727, OMIM 142680.

Allele frequency attached by ClinVar (database versions not stated): gnomAD 0.00001; TOPMed 0.00002.
gnomAD v4.1: 16 of 1,505,266 alleles (0.0011%); highest among the groups gnomAD compares: African/African-American, 0.0014%; no homozygotes.

Submission:

Labcorp Genetics (formerly Invitae), Labcorp
Classification: Uncertain significance for TNF receptor-associated periodic fever syndrome (TRAPS). Last evaluated: 2023-08-20. Review status: criteria provided, single submitter. Criteria: Invitae Variant Classification Sherloc (09022015). Collection method: clinical testing. Allele origin: germline.
Comment: ClinVar contains an entry for this variant (Variation ID: 998864). In summary, the available evidence is currently insufficient to determine the role of this variant in disease. Therefore, it has been classified as a Variant of Uncertain Significance. Algorithms developed to predict the effect of missense changes on protein structure and function output the following: SIFT: "Not Available"; PolyPhen-2: "Benign"; Align-GVGD: "Not Available". The glutamine amino acid residue is found in multiple mammalian species, which suggests that this missense change does not adversely affect protein function. This variant has not been reported in the literature in individuals affected with TNFRSF1A-related conditions. This variant is present in population databases (no rsID available, gnomAD 0.007%). This sequence change replaces glutamic acid, which is acidic and polar, with glutamine, which is neutral and polar, at codon 438 of the TNFRSF1A protein (p.Glu438Gln).

NM_001065.4(TNFRSF1A):c.1312G>C (p.Glu438Gln)

Gene: TNFRSF1A (TNF receptor superfamily member 1A; minus strand). Cytogenetic location: 12p13.31.
Variant type: single nucleotide variant.
Coding change: c.1312G>C on transcript NM_001065.4 (MANE Select); coding-DNA position 1312, G replaced by C.
Protein change: p.Glu438Gln; replaces glutamic acid 438 with glutamine.
Molecular consequence: missense variant. On other transcripts: non-coding transcript variant (1).
Genome position (GRCh38, 1-based): chr12:6,329,368, C>G on the plus strand (G>C on the coding strand, the complement: TNFRSF1A is on the minus strand). VCF-style: chr12-6329368-C-G. GRCh37 (hg19) VCF-style: chr12-6438534-C-G.
Other names: c.988G>C, p.Glu330Gln (NM_001346091.2); c.853G>C, p.Glu285Gln (NM_001346092.2); short protein forms E285Q, E330Q, E438Q.
Identifiers: ClinVar variation 998864 (VCV000998864.8), dbSNP rs745814061, ClinGen allele CA383544395.